The following is an entry in ClinVar:

ClinVar aggregate classification (germline): Likely pathogenic (1 of 4 stars; one submission).

Submission:

GeneDx
Classification: Likely pathogenic. Last evaluated: 2026-01-19. Review status: criteria provided, single submitter. Criteria: GeneDx Variant Classification Process June 2021. Collection method: clinical testing. Allele origin: germline.
Comment: Nonsense variant predicted to result in protein truncation or nonsense mediated decay in a gene for which loss of function is a known mechanism of disease; Not observed at significant frequency in large population cohorts (gnomAD); Has not been previously published as pathogenic or benign to our knowledge

NM_001079843.3(CASZ1):c.105C>A (p.Cys35Ter)

Gene: CASZ1 (castor zinc finger 1; minus strand). Cytogenetic location: 1p36.22.
Variant type: single nucleotide variant.
Coding change: c.105C>A on transcript NM_001079843.3 (MANE Select); coding-DNA position 105, C replaced by A.
Protein change: p.Cys35Ter; replaces cysteine 35 with a stop codon.
Molecular consequence: nonsense.
Genome position (GRCh38, 1-based): chr1:10,665,483, G>T on the plus strand (C>A on the coding strand, the complement: CASZ1 is on the minus strand). VCF-style: chr1-10665483-G-T. GRCh37 (hg19) VCF-style: chr1-10725540-G-T.
Other names: c.105C>A, p.Cys35Ter (NM_017766.5); short protein forms C35*.
Identifiers: ClinVar variation 3361879 (VCV003361879.2).
Genomic context (GRCh38, chr1:10,665,483, plus strand): 5'-CTCCGTGTGGGAGCCGGCGTCAGCTCGCTTCTCCACCACCACCTGGCGGCTCAGCTTGGC[G>T]CAGATGGCGTTCAGCTTCAGGCCACCCTTGCGTTTGGGCGCCATGGCGGGCTTGCCTGCA-3'